The following is an entry in ClinVar:

NM_004738.5(VAPB):c.31G>C (p.Glu11Gln)

Gene: VAPB (VAMP associated protein B and C; plus strand). Cytogenetic location: 20q13.32.
Variant type: single nucleotide variant.
Coding change: c.31G>C on transcript NM_004738.5 (MANE Select); coding-DNA position 31, G replaced by C.
Protein change: p.Glu11Gln; replaces glutamic acid 11 with glutamine.
Molecular consequence: missense variant. On other transcripts: non-coding transcript variant (1).
Genome position (GRCh38, 1-based): chr20:58,389,490, G>C. VCF-style: chr20-58389490-G-C. GRCh37 (hg19) VCF-style: chr20-56964546-G-C.
Other names: c.31G>C, p.Glu11Gln (NM_001195677.2); short protein forms E11Q.
Identifiers: ClinVar variation 2112456 (VCV002112456.4), dbSNP rs2515998254, ClinGen allele CA409439961.

ClinVar aggregate classification (germline): Uncertain significance (1 of 4 stars; one submission).

Conditions:
Amyotrophic lateral sclerosis type 8 (ALS8). Identifiers: Orphanet 803, MedGen C1837728, MONDO:0012077, OMIM 608627.
Adult-onset proximal spinal muscular atrophy, autosomal dominant. Also called: Spinal muscular atrophy, late-onset, finkel type; FINKEL LATE-ADULT TYPE SMA. Identifiers: Orphanet 209335, MedGen C1854058, MONDO:0008453, OMIM 182980.

gnomAD v4.1: 1 of 1,595,462 alleles (0.000063%); highest among the groups gnomAD compares: Non-Finnish European, 0.000085%; no homozygotes.

Submission:

Labcorp Genetics (formerly Invitae), Labcorp
Classification: Uncertain significance for Adult-onset proximal spinal muscular atrophy, autosomal dominant; Amyotrophic lateral sclerosis type 8. Last evaluated: 2022-03-15. Review status: criteria provided, single submitter. Criteria: Invitae Variant Classification Sherloc (09022015). Collection method: clinical testing. Allele origin: germline.
Comment: In summary, the available evidence is currently insufficient to determine the role of this variant in disease. Therefore, it has been classified as a Variant of Uncertain Significance. Algorithms developed to predict the effect of missense changes on protein structure and function are either unavailable or do not agree on the potential impact of this missense change (SIFT: "Not Available"; PolyPhen-2: "Benign"; Align-GVGD: "Not Available"). This variant has not been reported in the literature in individuals affected with VAPB-related conditions. This variant is not present in population databases (gnomAD no frequency). This sequence change replaces glutamic acid, which is acidic and polar, with glutamine, which is neutral and polar, at codon 11 of the VAPB protein (p.Glu11Gln).